The following is an entry in ClinVar:

ClinVar aggregate classification (germline): Pathogenic (1 of 4 stars; one submission).

Conditions:
Brachyolmia-amelogenesis imperfecta syndrome. Also called: Tooth agenesis, selective, 6; Dental anomalies and short stature; PLATYSPONDYLY WITH AMELOGENESIS IMPERFECTA. Identifiers: Orphanet 2899, MedGen C1832594, MONDO:0011018, OMIM 601216. Disease mechanism: loss of function.

gnomAD v4.1: 2 of 1,495,360 alleles (0.00013%); highest among the groups gnomAD compares: Non-Finnish European, 0.00018%; no homozygotes.

Submission:

Labcorp Genetics (formerly Invitae), Labcorp
Classification: Pathogenic for Brachyolmia-amelogenesis imperfecta syndrome. Last evaluated: 2025-05-01. Review status: criteria provided, single submitter. Criteria: Invitae Variant Classification Sherloc (09022015). Collection method: clinical testing. Allele origin: germline.
Comment: This sequence change creates a premature translational stop signal (p.Glu1129*) in the LTBP3 gene. It is expected to result in an absent or disrupted protein product. Loss-of-function variants in LTBP3 are known to be pathogenic (PMID: 11790802, 19344874, 25669657). This variant is not present in population databases (gnomAD no frequency). This variant has not been reported in the literature in individuals affected with LTBP3-related conditions. Algorithms developed to predict the effect of sequence changes on RNA splicing suggest that this variant may disrupt the consensus splice site. For these reasons, this variant has been classified as Pathogenic.

Literature cited by the submitters: PubMed 11790802; PubMed 19344874; PubMed 25669657.

NM_001130144.3(LTBP3):c.3385G>T (p.Glu1129Ter)

Genes: LTBP3 (latent transforming growth factor beta binding protein 3; minus strand), LOC130006027 (ATAC-STARR-seq lymphoblastoid silent region 3530; plus strand). Cytogenetic location: 11q13.1.
Variant type: single nucleotide variant.
Coding change: c.3385G>T on transcript NM_001130144.3 (MANE Select); coding-DNA position 3385, G replaced by T.
Protein change: p.Glu1129Ter; replaces glutamic acid 1129 with a stop codon.
Molecular consequence: nonsense. On other transcripts: intron variant (2).
Genome position (GRCh38, 1-based): chr11:65,540,013, C>A on the plus strand (G>T on the coding strand, the complement: LTBP3 is on the minus strand). VCF-style: chr11-65540013-C-A. GRCh37 (hg19) VCF-style: chr11-65307484-C-A.
Other names: c.2894-132G>T (NM_001164266.1); c.3245-132G>T (NM_021070.4); short protein forms E1129*.
Identifiers: ClinVar variation 4770591 (VCV004770591.1).